The following is an entry in ClinVar:

NM_001197104.2(KMT2A):c.752A>G (p.Asp251Gly)

Gene: KMT2A (lysine methyltransferase 2A; plus strand). Cytogenetic location: 11q23.3.
Variant type: single nucleotide variant.
Coding change: c.752A>G on transcript NM_001197104.2 (MANE Select); coding-DNA position 752, A replaced by G.
Protein change: p.Asp251Gly; replaces aspartic acid 251 with glycine.
Molecular consequence: missense variant.
Genome position (GRCh38, 1-based): chr11:118,471,911, A>G. VCF-style: chr11-118471911-A-G. GRCh37 (hg19) VCF-style: chr11-118342626-A-G.
Other names: c.851A>G, p.Asp284Gly (NM_001412597.1); c.752A>G, p.Asp251Gly (NM_005933.4); short protein forms D251G, D284G.
Identifiers: ClinVar variation 2867886 (VCV002867886.3), dbSNP rs2496792935, ClinGen allele CA382807722.
Genomic context (GRCh38, chr11:118,471,911, plus strand): 5'-TAAAAATCAAAATAACACATGGAAAGGACATTTCAGAGTTACCAAAGGGAAACAAAGAAG[A>G]TAGCCTGAAAAAAATTAAAAGGACACCTTCTGCTACGTTTCAGCAAGCCACAAAGATTAA-3'
Protein context (NP_001184033.1, residues 241-261): ISELPKGNKE[Asp251Gly]SLKKIKRTPS

ClinVar aggregate classification (germline): Uncertain significance (1 of 4 stars; one submission).

Allele frequency attached by ClinVar (database versions not stated): gnomAD exomes below 0.00001.
gnomAD v4.1: 2 of 1,613,996 alleles (0.00012%); highest among the groups gnomAD compares: Non-Finnish European, 0.00017%; no homozygotes.

Submission:

Labcorp Genetics (formerly Invitae), Labcorp
Classification: Uncertain significance. Last evaluated: 2023-10-03. Review status: criteria provided, single submitter. Criteria: Invitae Variant Classification Sherloc (09022015). Collection method: clinical testing. Allele origin: germline.
Comment: This sequence change replaces aspartic acid, which is acidic and polar, with glycine, which is neutral and non-polar, at codon 251 of the KMT2A protein (p.Asp251Gly). This variant is not present in population databases (gnomAD no frequency). This variant has not been reported in the literature in individuals affected with KMT2A-related conditions. Advanced modeling of protein sequence and biophysical properties (such as structural, functional, and spatial information, amino acid conservation, physicochemical variation, residue mobility, and thermodynamic stability) performed at Invitae indicates that this missense variant is not expected to disrupt KMT2A protein function. In summary, the available evidence is currently insufficient to determine the role of this variant in disease. Therefore, it has been classified as a Variant of Uncertain Significance.